The following is an entry in ClinVar:

NM_001127511.3(APC):c.-155C>G

Gene: APC (APC regulator of Wnt signaling pathway; plus strand). Cytogenetic location: 5q22.2.
Variant type: single nucleotide variant.
Coding change: c.-155C>G on transcript NM_001127511.3; 155 bases upstream of the start codon, C replaced by G.
Molecular consequence: 5 prime UTR variant. On other transcripts: non-coding transcript variant (2).
Genome position (GRCh38, 1-based): chr5:112,707,563, C>G. VCF-style: chr5-112707563-C-G. GRCh37 (hg19) VCF-style: chr5-112043260-C-G.
Other names: c.-129C>G (NM_001407453.1); c.-338C>G (NM_001407456.1, NM_001407460.1, NM_001407469.1 and 3 more transcripts); c.-105C>G (NM_001407457.1, NM_001407458.1, NM_001407448.1 and 1 more transcripts); c.-1373C>G (NM_001407470.1, NM_001407472.1); c.-155C>G (NM_001354897.2, NM_001354902.2, NM_001407446.1).
Identifiers: ClinVar variation 4770057 (VCV004770057.1).

ClinVar aggregate classification (germline): Uncertain significance (1 of 4 stars; one submission).

Conditions:
Familial adenomatous polyposis 1 (FAP1). Also called: POLYPOSIS, ADENOMATOUS INTESTINAL; FAMILIAL ADENOMATOUS POLYPOSIS 1, ATTENUATED. Identifiers: MedGen C2713442, MONDO:0021056, OMIM 175100. Disease mechanism: loss of function.

Submission:

Labcorp Genetics (formerly Invitae), Labcorp
Classification: Uncertain significance for Familial adenomatous polyposis 1. Last evaluated: 2025-04-23. Review status: criteria provided, single submitter. Criteria: Invitae Variant Classification Sherloc (09022015). Collection method: clinical testing. Allele origin: germline.
Comment: This variant occurs in a non-coding region of the APC gene. It does not change the encoded amino acid sequence of the APC protein. This variant is not present in population databases (gnomAD no frequency). This variant has not been reported in the literature in individuals affected with APC-related conditions. Experimental studies and prediction algorithms are not available or were not evaluated, and the functional significance of this variant is currently unknown. In summary, the available evidence is currently insufficient to determine the role of this variant in disease. Therefore, it has been classified as a Variant of Uncertain Significance.